The following is an entry in ClinVar:

NM_018979.4(WNK1):c.2664A>G (p.Val888=)

Gene: WNK1 (WNK lysine deficient protein kinase 1; plus strand). Cytogenetic location: 12p13.33.
Variant type: single nucleotide variant.
Coding change: c.2664A>G on transcript NM_018979.4 (MANE Select); coding-DNA position 2664, A replaced by G.
Protein change: p.Val888=; no amino-acid change (valine 888 retained).
Molecular consequence: synonymous variant. On other transcripts: intron variant (3).
Genome position (GRCh38, 1-based): chr12:879,863, A>G. VCF-style: chr12-879863-A-G. GRCh37 (hg19) VCF-style: chr12-989029-A-G.
Other names: c.3867+1502A>G (NM_213655.5); c.3613-858A>G (NM_001184985.2); c.2370+1502A>G (NM_014823.3).
Identifiers: ClinVar variation 440422 (VCV000440422.20), dbSNP rs769020140, ClinGen allele CA6382538.

ClinVar aggregate classification (germline): Benign/Likely benign. Review status: criteria provided, multiple submitters, no conflicts (2 of 4 stars). 4 submissions from 4 submitters: Benign (1); Likely benign (2). 1 of the submissions does not count toward it. Last evaluated 2021-12-15.

Conditions:
Pseudohypoaldosteronism type 2C (PHA2C). Also called: Pseudohypoaldosteronism Type IIC. Identifiers: Orphanet 757, Orphanet 88940, MedGen C1840391, MONDO:0013778, OMIM 614492.
Neuropathy, hereditary sensory and autonomic, type 2A (HSAN2A). Also called: MORVAN DISEASE; NEUROPATHY, CONGENITAL SENSORY; NEUROPATHY, HEREDITARY SENSORY RADICULAR, AUTOSOMAL RECESSIVE; NEUROPATHY, HEREDITARY SENSORY, TYPE IIA; NEUROPATHY, PROGRESSIVE SENSORY, OF CHILDREN; ACROOSTEOLYSIS, GIACCAI TYPE. Identifiers: Orphanet 970, MedGen C2752089, MONDO:0024309, OMIM 201300.
WNK1-related disorder. Also called: WNK1-related condition.

Allele frequency attached by ClinVar (database versions not stated): ExAC 0.00009; gnomAD exomes 0.00010 and 0.00016; gnomAD 0.00011 and 0.00012; TOPMed 0.00015.
gnomAD v4.1: 255 of 1,614,030 alleles (0.016%); highest among the groups gnomAD compares: Admixed American, 0.027%; no homozygotes.

Submissions (4):

Fulgent Genetics
Classification: Likely benign for Neuropathy, hereditary sensory and autonomic, type 2A; Pseudohypoaldosteronism type 2C. Last evaluated: 2021-12-15. Review status: criteria provided, single submitter. Criteria: ACMG Guidelines, 2015. Collection method: clinical testing. Allele origin: unknown.

Labcorp Genetics (formerly Invitae), Labcorp
Classification: Likely benign for Neuropathy, hereditary sensory and autonomic, type 2A; Pseudohypoaldosteronism type 2C. Last evaluated: 2020-01-11. Review status: criteria provided, single submitter. Criteria: Invitae Variant Classification Sherloc (09022015). Collection method: clinical testing. Allele origin: germline.

ARUP Laboratories, Molecular Genetics and Genomics, ARUP Laboratories
Classification: Benign. Last evaluated: 2017-01-30. Review status: criteria provided, single submitter. Criteria: ARUP Molecular Germline Variant Investigation Process. Collection method: clinical testing. Allele origin: germline.

PreventionGenetics, part of Exact Sciences
Classification: Likely benign for WNK1-related condition. Last evaluated: 2019-04-15. Review status: no assertion criteria provided. Collection method: clinical testing. Allele origin: germline. Not counted in ClinVar's aggregate classification.
Comment: This variant is classified as likely benign based on ACMG/AMP sequence variant interpretation guidelines (Richards et al. 2015 PMID: 25741868, with internal and published modifications).